The following is an entry in ClinVar:

NM_005235.3(ERBB4):c.3613G>A (p.Glu1205Lys)

Gene: ERBB4 (erb-b2 receptor tyrosine kinase 4; minus strand). Cytogenetic location: 2q34.
Variant type: single nucleotide variant.
Coding change: c.3613G>A on transcript NM_005235.3 (MANE Select); coding-DNA position 3613, G replaced by A.
Protein change: p.Glu1205Lys; replaces glutamic acid 1205 with lysine.
Molecular consequence: missense variant.
Genome position (GRCh38, 1-based): chr2:211,383,929, C>T on the plus strand (G>A on the coding strand, the complement: ERBB4 is on the minus strand). VCF-style: chr2-211383929-C-T. GRCh37 (hg19) VCF-style: chr2-212248654-C-T.
Other names: c.3565G>A, p.Glu1189Lys (NM_001042599.2); short protein forms E1205K, E1189K.
Identifiers: ClinVar variation 1470174 (VCV001470174.6), dbSNP rs1185985735, ClinGen allele CA350780086.

ClinVar aggregate classification (germline): Uncertain significance (1 of 4 stars; one submission).

Allele frequency attached by ClinVar (database versions not stated): gnomAD exomes below 0.00001.
gnomAD v4.1: 1 of 1,614,104 alleles (0.000062%); highest among the groups gnomAD compares: Admixed American, 0.0017%; no homozygotes.

Submission:

Labcorp Genetics (formerly Invitae), Labcorp
Classification: Uncertain significance. Last evaluated: 2023-05-27. Review status: criteria provided, single submitter. Criteria: Invitae Variant Classification Sherloc (09022015). Collection method: clinical testing. Allele origin: germline.
Comment: ClinVar contains an entry for this variant (Variation ID: 1470174). An algorithm developed to predict the effect of missense changes on protein structure and function (PolyPhen-2) suggests that this variant is likely to be disruptive. In summary, the available evidence is currently insufficient to determine the role of this variant in disease. Therefore, it has been classified as a Variant of Uncertain Significance. This sequence change replaces glutamic acid, which is acidic and polar, with lysine, which is basic and polar, at codon 1205 of the ERBB4 protein (p.Glu1205Lys). This variant is present in population databases (no rsID available, gnomAD 0.003%). This variant has not been reported in the literature in individuals affected with ERBB4-related conditions.